The following is an entry in ClinVar:

NM_000059.4(BRCA2):c.6971_6972del (p.His2324fs)

Gene: BRCA2 (BRCA2 DNA repair associated; plus strand). Cytogenetic location: 13q13.1.
Variant type: Deletion.
Coding change: c.6971_6972del on transcript NM_000059.4 (MANE Select); coding-DNA positions 6971 to 6972, 2 bases deleted (AT; older notation c.6971_6972delAT).
Protein change: p.His2324fs; shifts the reading frame from histidine 2324.
Molecular consequence: frameshift variant.
Genome position (GRCh38, 1-based): chr13:32,346,860-32,346,861, AT deleted. VCF-style (leftmost placement, unchanged base first): chr13-32346859-CAT-C. GRCh37 (hg19) VCF-style: chr13-32920996-CAT-C.
Other names: c.6971_6972delAT (NM_000059.3); short protein forms H2324fs.
Identifiers: ClinVar variation 531331 (VCV000531331.7), dbSNP rs1555285347, ClinGen allele CA658798100.
Genomic context (GRCh38, chr13:32,346,859, plus strand): 5'-TATGTAATATAAAATAATTGTTTCCTAGGCACAATAAAAGATCGAAGATTGTTTATGCAT[CAT>C]GTTTCTTTAGAGCCGATTACCTGTGTACCCTTTCGGTAAGACATGTTTAAATTTTTCTAA-3'

ClinVar aggregate classification (germline): Pathogenic (1 of 4 stars; one submission).

Conditions:
Hereditary breast ovarian cancer syndrome. Also called: Hereditary breast and ovarian cancer syndrome (HBOC); BRCA1- and BRCA2-Associated Hereditary Breast and Ovarian Cancer; Hereditary breast and ovarian cancer syndrome; Breast and ovarian cancer; Hereditary breast and ovarian cancer; Hereditary breast and/or ovarian cancer syndrome. Identifiers: Orphanet 145, MedGen C0677776, MeSH D061325, MONDO:0003582. Disease mechanism: loss of function.

Submission:

Labcorp Genetics (formerly Invitae), Labcorp
Classification: Pathogenic for Hereditary breast ovarian cancer syndrome. Last evaluated: 2025-08-06. Review status: criteria provided, single submitter. Criteria: Invitae Variant Classification Sherloc (09022015). Collection method: clinical testing. Allele origin: germline.
Comment: This sequence change creates a premature translational stop signal (p.His2324Argfs*15) in the BRCA2 gene. It is expected to result in an absent or disrupted protein product. Loss-of-function variants in BRCA2 are known to be pathogenic (PMID: 20104584). This variant is not present in population databases (gnomAD no frequency). This variant has not been reported in the literature in individuals affected with BRCA2-related conditions. ClinVar contains an entry for this variant (Variation ID: 531331). For these reasons, this variant has been classified as Pathogenic.

Literature cited by the submitters: PubMed 20104584.